The following is an entry in ClinVar:

ClinVar aggregate classification (germline): Uncertain significance (1 of 4 stars; one submission).

Allele frequency attached by ClinVar (database versions not stated): TOPMed below 0.00001; gnomAD 0.00001.

Submission:

Labcorp Genetics (formerly Invitae), Labcorp
Classification: Uncertain significance. Last evaluated: 2022-10-04. Review status: criteria provided, single submitter. Criteria: Invitae Variant Classification Sherloc (09022015). Collection method: clinical testing. Allele origin: germline.
Comment: This variant is present in population databases (no rsID available, gnomAD 0.06%). In summary, the available evidence is currently insufficient to determine the role of this variant in disease. Therefore, it has been classified as a Variant of Uncertain Significance. Experimental studies and prediction algorithms are not available or were not evaluated, and the functional significance of this variant is currently unknown. ClinVar contains an entry for this variant (Variation ID: 1487309). This variant has not been reported in the literature in individuals affected with RAB28-related conditions. This sequence change creates a premature translational stop signal (p.Ser214Glufs*2) in the RAB28 gene. While this is not anticipated to result in nonsense mediated decay, it is expected to disrupt the last 7 amino acid(s) of the RAB28 protein.

NM_004249.4(RAB28):c.638dup (p.Ser214fs)

Gene: RAB28 (RAB28, member RAS oncogene family; minus strand). Cytogenetic location: 4p15.33.
Variant type: Duplication.
Coding change: c.638dup on transcript NM_004249.4 (MANE Plus Clinical); coding-DNA position 638, one base duplicated (A; older notation c.638dupA).
Protein change: p.Ser214fs; shifts the reading frame from serine 214.
Molecular consequence: frameshift variant. On other transcripts: intron variant (2).
Genome position (GRCh38, 1-based): chr4:13,369,901, T duplicated on the plus strand (A on the coding strand, the reverse complement: RAB28 is on the minus strand). VCF-style (leftmost placement, unchanged base first): chr4-13369900-C-CT. GRCh37 (hg19) VCF-style: chr4-13371524-C-CT.
Other names: c.574-1251dup (NM_001017979.3); c.*32-1251dup (NM_001159601.2); short protein forms S214fs.
Identifiers: ClinVar variation 1487309 (VCV001487309.6), dbSNP rs1259458666, ClinGen allele CA549856846.